The following is an entry in ClinVar:

ClinVar aggregate classification (germline): Pathogenic (1 of 4 stars; one submission).

Submission:

Labcorp Genetics (formerly Invitae), Labcorp
Classification: Pathogenic. Last evaluated: 2022-03-03. Review status: criteria provided, single submitter. Criteria: Invitae Variant Classification Sherloc (09022015). Collection method: clinical testing. Allele origin: germline.
Comment: This variant has not been reported in the literature in individuals affected with ABCA1-related conditions. This variant is not present in population databases (gnomAD no frequency). This sequence change creates a premature translational stop signal (p.Pro952Argfs*17) in the ABCA1 gene. It is expected to result in an absent or disrupted protein product. Loss-of-function variants in ABCA1 are known to be pathogenic (PMID: 10525055, 10760292, 20880529). For these reasons, this variant has been classified as Pathogenic.

Literature cited by the submitters: PubMed 10525055; PubMed 10760292; PubMed 20880529.

NM_005502.4(ABCA1):c.2855del (p.Pro952fs)

Gene: ABCA1 (ATP binding cassette subfamily A member 1; minus strand). Cytogenetic location: 9q31.1.
Variant type: Deletion.
Coding change: c.2855del on transcript NM_005502.4 (MANE Select); coding-DNA position 2855, one base deleted (C; older notation c.2855delC).
Protein change: p.Pro952fs; shifts the reading frame from proline 952.
Molecular consequence: frameshift variant.
Genome position (GRCh38, 1-based): chr9:104,821,480, G deleted on the plus strand (C on the coding strand, the reverse complement: ABCA1 is on the minus strand); the first of 6 consecutive G bases (chr9:104,821,480-104,821,485); deleting any one gives the same sequence. VCF-style (leftmost placement, unchanged base first): chr9-104821479-CG-C. GRCh37 (hg19) VCF-style: chr9-107583760-CG-C.
Other names: short protein forms P952fs.
Identifiers: ClinVar variation 2087161 (VCV002087161.4), dbSNP rs2538145772, ClinGen allele CA2580079296.